The following is an entry in ClinVar:

NM_018706.7(DHTKD1):c.669del (p.His223fs)

Gene: DHTKD1 (dehydrogenase E1 and transketolase domain containing 1; plus strand). Cytogenetic location: 10p14.
Variant type: Deletion.
Coding change: c.669del on transcript NM_018706.7 (MANE Select); coding-DNA position 669, one base deleted (T; older notation c.669delT).
Protein change: p.His223fs; shifts the reading frame from histidine 223.
Molecular consequence: frameshift variant.
Genome position (GRCh38, 1-based): chr10:12,087,681, T deleted. VCF-style (leftmost placement, unchanged base first): chr10-12087680-AT-A. GRCh37 (hg19) VCF-style: chr10-12129679-AT-A.
Other names: short protein forms H223fs.
Identifiers: ClinVar variation 2083045 (VCV002083045.4), dbSNP rs2491475182, ClinGen allele CA2580081330.

ClinVar aggregate classification (germline): Pathogenic (1 of 4 stars; one submission).

Conditions:
2-aminoadipic 2-oxoadipic aciduria (AAKAD). Also called: Aminoadipic aciduria; ALPHA-AMINOADIPIC AND ALPHA-KETOADIPIC ACIDURIA. Identifiers: Orphanet 79154, MedGen C1859817, MONDO:0008774, OMIM 204750.

Submission:

Labcorp Genetics (formerly Invitae), Labcorp
Classification: Pathogenic for 2-aminoadipic 2-oxoadipic aciduria. Last evaluated: 2022-01-15. Review status: criteria provided, single submitter. Criteria: Invitae Variant Classification Sherloc (09022015). Collection method: clinical testing. Allele origin: germline.
Comment: This sequence change creates a premature translational stop signal (p.His223Glnfs*5) in the DHTKD1 gene. It is expected to result in an absent or disrupted protein product. Loss-of-function variants in DHTKD1 are known to be pathogenic (PMID: 23141293, 25860818). For these reasons, this variant has been classified as Pathogenic. This variant has not been reported in the literature in individuals affected with DHTKD1-related conditions. This variant is not present in population databases (gnomAD no frequency).

Literature cited by the submitters: PubMed 23141293; PubMed 25860818.